The following is an entry in ClinVar:

NM_001370259.2(MEN1):c.1117C>G (p.Pro373Ala)

Gene: MEN1 (menin 1; minus strand). Cytogenetic location: 11q13.1.
Variant type: single nucleotide variant.
Coding change: c.1117C>G on transcript NM_001370259.2 (MANE Select); coding-DNA position 1117, C replaced by G.
Protein change: p.Pro373Ala; replaces proline 373 with alanine.
Molecular consequence: missense variant.
Genome position (GRCh38, 1-based): chr11:64,805,703, G>C on the plus strand (C>G on the coding strand, the complement: MEN1 is on the minus strand). VCF-style: chr11-64805703-G-C. GRCh37 (hg19) VCF-style: chr11-64573175-G-C.
Other names: c.1117C>G, p.Pro373Ala (NM_130799.3, NM_001370260.2, NM_001370261.2); c.1132C>G, p.Pro378Ala (NM_130800.3, NM_130801.3, NM_130802.3 and 3 more transcripts); c.1243C>G, p.Pro415Ala (NM_001370251.2); c.1012C>G, p.Pro338Ala (NM_001370262.2, NM_001370263.2); short protein forms P373A, P378A, P338A, P415A.
Identifiers: ClinVar variation 200983 (VCV000200983.10), dbSNP rs794728627, ClinGen allele CA009036.

ClinVar aggregate classification (germline): Conflicting classifications of pathogenicity. Review status: criteria provided, conflicting classifications (1 of 4 stars). 4 submissions from 4 submitters: Likely pathogenic (1); Uncertain significance (3). Last evaluated 2026-04-01.

Conditions:
Hereditary cancer-predisposing syndrome. Also called: Tumor predisposition; Hereditary Cancer Syndrome; Hereditary neoplastic syndrome; Neoplastic Syndromes, Hereditary. Identifiers: Orphanet 140162, MedGen C0027672, MeSH D009386, MONDO:0015356.
Multiple endocrine neoplasia, type 1 (MEN1). Also called: MEN I; WERMER SYNDROME; Endocrine adenomatosis multiple; MEN 1; MEA I. Identifiers: Orphanet 652, MedGen C0025267, MeSH D018761, MONDO:0007540, OMIM 131100.

Submissions (4):

Ambry Genetics
Classification: Uncertain significance for Hereditary cancer-predisposing syndrome. Last evaluated: 2026-04-01. Review status: criteria provided, single submitter. Criteria: Ambry Variant Classification Scheme 2023. Collection method: clinical testing. Allele origin: germline.
Comment: The p.P373A variant (also known as c.1117C>G), located in coding exon 7 of the MEN1 gene, results from a C to G substitution at nucleotide position 1117. The proline at codon 373 is replaced by alanine, an amino acid with highly similar properties. This alteration was identified in one individual diagnosed with MEN1-related primary hyperparathyroidism (MHPT) (Kong J et al. PLoS One, 2016 Nov;11:e0166634). This amino acid position is highly conserved in available vertebrate species. In addition, this alteration is predicted to be deleterious by in silico analysis. Since supporting evidence is limited at this time, the clinical significance of this alteration remains unclear.

Women's Health and Genetics/Laboratory Corporation of America, LabCorp
Classification: Uncertain significance. Last evaluated: 2025-10-03. Review status: criteria provided, single submitter. Criteria: LabCorp Variant Classification Summary - May 2015. Collection method: clinical testing. Allele origin: germline.
Comment: Variant summary: MEN1 c.1117C>G (p.Pro373Ala) results in a non-conservative amino acid change in the encoded protein sequence. Algorithms developed to predict the effect of missense changes on protein structure and function all suggest that this variant is likely to be disruptive. The variant was absent in 251466 control chromosomes. The available data on variant occurrences in the general population are insufficient to allow any conclusion about variant significance. c.1117C>G has been observed in individuals affected with Multiple Endocrine Neoplasia Type 1 (Concolino_2015, Kong_2016). These reports do not provide unequivocal conclusions about association of the variant with Multiple Endocrine Neoplasia Type 1. To our knowledge, no experimental evidence demonstrating an impact on protein function has been reported. The following publications have been ascertained in the context of this evaluation (PMID: 26767918, 27846313). ClinVar contains an entry for this variant (Variation ID: 200983). Based on the evidence outlined above, the variant was classified as uncertain significance.

Labcorp Genetics (formerly Invitae), Labcorp
Classification: Uncertain significance for Multiple endocrine neoplasia, type 1. Last evaluated: 2023-04-15. Review status: criteria provided, single submitter. Criteria: Invitae Variant Classification Sherloc (09022015). Collection method: clinical testing. Allele origin: germline.
Comment: In summary, the available evidence is currently insufficient to determine the role of this variant in disease. Therefore, it has been classified as a Variant of Uncertain Significance. Advanced modeling of protein sequence and biophysical properties (such as structural, functional, and spatial information, amino acid conservation, physicochemical variation, residue mobility, and thermodynamic stability) performed at Invitae indicates that this missense variant is expected to disrupt MEN1 protein function. ClinVar contains an entry for this variant (Variation ID: 200983). This missense change has been observed in individual(s) with clinical features of multiple endocrine neoplasia type 1 (PMID: 26767918, 27846313). This variant is not present in population databases (gnomAD no frequency). This sequence change replaces proline, which is neutral and non-polar, with alanine, which is neutral and non-polar, at codon 373 of the MEN1 protein (p.Pro373Ala).

GeneDx
Classification: Likely pathogenic. Last evaluated: 2017-05-25. Review status: criteria provided, single submitter. Criteria: GeneDx Variant Classification (06012015). Collection method: clinical testing. Allele origin: germline. Affected: yes.
Comment: The P373A missense variant has has previously been reported in at least one individual with MEN1-related primary hyperparathyroidism (Kong et al., 2016). This variant is not observed in large population cohorts (Lek et al., 2016; 1000 Genomes Consortium et al., 2015; Exome Variant Server). The P373A variant is a semi-conservative amino acid substitution, which may impact secondary protein structure as these residues differ in some properties. This substitution occurs at a position that is conserved across species, and in silico analysis predicts this variant is probably damaging to the protein structure/function. Missense variants at this residue (P373L and P373S) have been reported in association with multiple endocrine neoplasia type 1 (Bergman et al., 2000; Nagamura et al, 2012). Based on currently available evidence, P373A is a strong candidate for a pathogenic variant. However, the possibility it may be a rare benign variant cannot be excluded.

Literature cited by the submitters: PubMed 27846313 (cited by 3 submitters); PubMed 26767918 (cited by Women's Health and Genetics/Laboratory Corporation of America, LabCorp and Labcorp Genetics (formerly Invitae), Labcorp).